The following is an entry in ClinVar:

NM_003482.4(KMT2D):c.8200C>T (p.Arg2734Ter)

Gene: KMT2D (lysine methyltransferase 2D; minus strand). Cytogenetic location: 12q13.12.
Variant type: single nucleotide variant.
Coding change: c.8200C>T on transcript NM_003482.4 (MANE Select); coding-DNA position 8200, C replaced by T.
Protein change: p.Arg2734Ter; replaces arginine 2734 with a stop codon.
Molecular consequence: nonsense.
Genome position (GRCh38, 1-based): chr12:49,039,464, G>A on the plus strand (C>T on the coding strand, the complement: KMT2D is on the minus strand). VCF-style: chr12-49039464-G-A. GRCh37 (hg19) VCF-style: chr12-49433247-G-A.
Other names: short protein forms R2734*.
Identifiers: ClinVar variation 653606 (VCV000653606.11), dbSNP rs1565790749, ClinGen allele CA384743388.

ClinVar aggregate classification (germline): Pathogenic. Review status: criteria provided, multiple submitters, no conflicts (2 of 4 stars). 3 submissions from 3 submitters: Pathogenic (2). 1 of the submissions does not count toward it. Last evaluated 2026-01-05.

Conditions:
Kabuki syndrome. Also called: NIIKAWA-KUROKI SYNDROME; Kabuki make-up syndrome. Identifiers: Orphanet 2322, MedGen C0796004, MONDO:0016512.
Kabuki syndrome 1 (KABUK1). Also called: KMT2D-Related Kabuki Syndrome. Identifiers: Orphanet 2322, MedGen CN030661, MONDO:0007843, OMIM 147920.

Allele frequency attached by ClinVar (database versions not stated): TOPMed below 0.00001.

Submissions (3):

Labcorp Genetics (formerly Invitae), Labcorp
Classification: Pathogenic for Kabuki syndrome. Last evaluated: 2026-01-05. Review status: criteria provided, single submitter. Criteria: Invitae Variant Classification Sherloc (09022015). Collection method: clinical testing. Allele origin: germline.
Comment: This sequence change creates a premature translational stop signal (p.Arg2734*) in the KMT2D gene. It is expected to result in an absent or disrupted protein product. Loss-of-function variants in KMT2D are known to be pathogenic (PMID: 22126750). This variant is not present in population databases (gnomAD no frequency). This premature translational stop signal has been observed in individual(s) with Kabuki syndrome (PMID: 21280141, 27302555). In at least one individual the variant was observed to be de novo. ClinVar contains an entry for this variant (Variation ID: 653606). For these reasons, this variant has been classified as Pathogenic.

Department of Neurology, Zibo Changguo Hospital
Classification: Pathogenic for Kabuki syndrome 1. Last evaluated: 2025-01-08. Review status: criteria provided, single submitter. Criteria: ACMG Guidelines, 2015. Collection method: clinical testing. Allele origin: de novo. Inheritance: Autosomal dominant inheritance. Affected: yes.
Comment: PVS1, PM6_Strong, PM2_Supporting

Autoinflammatory diseases unit, CHU de Montpellier
Classification: Pathogenic for Kabuki syndrome 1. Last evaluated: 2014-01-14. Review status: no assertion criteria provided. Collection method: clinical testing. Allele origin: de novo. Affected: yes. Observed: 2 variant alleles. Not counted in ClinVar's aggregate classification.

Literature cited by the submitters: PubMed 22126750 (cited by Labcorp Genetics (formerly Invitae), Labcorp); PubMed 21280141 (cited by Labcorp Genetics (formerly Invitae), Labcorp); PubMed 27302555 (cited by Labcorp Genetics (formerly Invitae), Labcorp).